The following is an entry in ClinVar:

NM_001292034.3(TAB2):c.641A>G (p.Tyr214Cys)

Gene: TAB2 (TGF-beta activated kinase 1 (MAP3K7) binding protein 2; plus strand). Cytogenetic location: 6q25.1.
Variant type: single nucleotide variant.
Coding change: c.641A>G on transcript NM_001292034.3 (MANE Select); coding-DNA position 641, A replaced by G.
Protein change: p.Tyr214Cys; replaces tyrosine 214 with cysteine.
Molecular consequence: missense variant.
Genome position (GRCh38, 1-based): chr6:149,378,556, A>G. VCF-style: chr6-149378556-A-G. GRCh37 (hg19) VCF-style: chr6-149699692-A-G.
Other names: c.545A>G, p.Tyr182Cys (NM_001292035.3); c.641A>G, p.Tyr214Cys (NM_001369506.1, NM_015093.6); short protein forms Y214C, Y182C.
Identifiers: ClinVar variation 1905430 (VCV001905430.5), dbSNP rs760161262, ClinGen allele CA4041430.

ClinVar aggregate classification (germline): Uncertain significance (1 of 4 stars; one submission).

Allele frequency attached by ClinVar (database versions not stated): ExAC 0.00001; gnomAD 0.00001; gnomAD exomes 0.00001; TOPMed 0.00001.
gnomAD v4.1: 16 of 1,613,920 alleles (0.00099%); highest among the groups gnomAD compares: South Asian, 0.0022%; no homozygotes.

Submission:

Labcorp Genetics (formerly Invitae), Labcorp
Classification: Uncertain significance. Last evaluated: 2023-07-28. Review status: criteria provided, single submitter. Criteria: Invitae Variant Classification Sherloc (09022015). Collection method: clinical testing. Allele origin: germline.
Comment: In summary, the available evidence is currently insufficient to determine the role of this variant in disease. Therefore, it has been classified as a Variant of Uncertain Significance. Advanced modeling of protein sequence and biophysical properties (such as structural, functional, and spatial information, amino acid conservation, physicochemical variation, residue mobility, and thermodynamic stability) has been performed at Invitae for this missense variant, however the output from this modeling did not meet the statistical confidence thresholds required to predict the impact of this variant on TAB2 protein function. ClinVar contains an entry for this variant (Variation ID: 1905430). This variant has not been reported in the literature in individuals affected with TAB2-related conditions. This variant is present in population databases (rs760161262, gnomAD 0.004%). This sequence change replaces tyrosine, which is neutral and polar, with cysteine, which is neutral and slightly polar, at codon 214 of the TAB2 protein (p.Tyr214Cys).